The following is an entry in ClinVar:

NM_003079.5(SMARCE1):c.421G>T (p.Ala141Ser)

Gene: SMARCE1 (SWI/SNF related BAF chromatin remodeling complex subunit E1; minus strand). Cytogenetic location: 17q21.2.
Variant type: single nucleotide variant.
Coding change: c.421G>T on transcript NM_003079.5 (MANE Select); coding-DNA position 421, G replaced by T.
Protein change: p.Ala141Ser; replaces alanine 141 with serine.
Molecular consequence: missense variant.
Genome position (GRCh38, 1-based): chr17:40,636,051, C>A on the plus strand (G>T on the coding strand, the complement: SMARCE1 is on the minus strand). VCF-style: chr17-40636051-C-A. GRCh37 (hg19) VCF-style: chr17-38792303-C-A.
Other names: short protein forms A141S.
Identifiers: ClinVar variation 3660017 (VCV003660017.2).
Genomic context (GRCh38, chr17:40,636,051, plus strand): 5'-GTCTCTGTCGACTTTCTTCCTCTAAAGCAGCTTCTGCACGACTTTTTGCATTTATGTAAG[C>A]AAGGTACGCGGGGGAATTATGATAGGCCTTCATAGATTCATTGTACTCTATCTGAAATTC-3'
Protein context (NP_003070.3, residues 131-151): KAYHNSPAYL[Ala141Ser]YINAKSRAEA

ClinVar aggregate classification (germline): Uncertain significance (1 of 4 stars; one submission).

Conditions:
Familial meningioma. Also called: Meningioma, familial, susceptibility to. Identifiers: Orphanet 263662, MedGen C3551915, MONDO:0011789, OMIM 607174.

Submission:

Labcorp Genetics (formerly Invitae), Labcorp
Classification: Uncertain significance for Familial meningioma. Last evaluated: 2024-07-20. Review status: criteria provided, single submitter. Criteria: Invitae Variant Classification Sherloc (09022015). Collection method: clinical testing. Allele origin: germline.
Comment: This sequence change replaces alanine, which is neutral and non-polar, with serine, which is neutral and polar, at codon 141 of the SMARCE1 protein (p.Ala141Ser). This variant is not present in population databases (gnomAD no frequency). This variant has not been reported in the literature in individuals affected with SMARCE1-related conditions. Advanced modeling of protein sequence and biophysical properties (such as structural, functional, and spatial information, amino acid conservation, physicochemical variation, residue mobility, and thermodynamic stability) performed at Invitae indicates that this missense variant is not expected to disrupt SMARCE1 protein function with a negative predictive value of 80%. In summary, the available evidence is currently insufficient to determine the role of this variant in disease. Therefore, it has been classified as a Variant of Uncertain Significance.